The following is an entry in ClinVar:

NM_001174089.2(SLC4A11):c.2576G>A (p.Arg859Gln)

Gene: SLC4A11 (solute carrier family 4 member 11; minus strand). Cytogenetic location: 20p13.
Variant type: single nucleotide variant.
Coding change: c.2576G>A on transcript NM_001174089.2 (MANE Select); coding-DNA position 2576, G replaced by A.
Protein change: p.Arg859Gln; replaces arginine 859 with glutamine.
Molecular consequence: missense variant. On other transcripts: non-coding transcript variant (3).
Genome position (GRCh38, 1-based): chr20:3,227,839, C>T on the plus strand (G>A on the coding strand, the complement: SLC4A11 is on the minus strand). VCF-style: chr20-3227839-C-T. GRCh37 (hg19) VCF-style: chr20-3208485-C-T.
Other names: c.2705G>A, p.Arg902Gln (NM_001174090.2); c.2462G>A, p.Arg821Gln (NM_001363745.2); c.2519G>A, p.Arg840Gln (NM_001400277.1, NM_001400278.1, NM_001400279.1); c.2591G>A, p.Arg864Gln (NM_001400280.1); c.2624G>A, p.Arg875Gln (NM_032034.4); c.2624G>A (NM_032034.3); short protein forms R821Q, R840Q, R859Q, R864Q, R875Q, R902Q.
Identifiers: ClinVar variation 3337594 (VCV003337594.2).
Genomic context (GRCh38, chr20:3,227,839, plus strand): 5'-TCTGCCAGTCAAGGCCTGTGCTCAGCGTCCATGACATCCAAGTACTTGGCTTCAATGATT[C>T]GGGGCAGCAGGATATAGCTGTGGGGAGGGAGGGACAGGAGGATGAGCCTGGGTCAGAGAG-3'
Protein context (NP_001167560.1, residues 849-869): MIPIRYILLP[Arg859Gln]IIEAKYLDVM

ClinVar aggregate classification (germline): Uncertain significance. Review status: criteria provided, multiple submitters, no conflicts (2 of 4 stars). 2 submissions from 2 submitters: Uncertain significance (2). Last evaluated 2025-09-18.

Conditions:
SLC4A11-related disorder. Also called: SLC4A11-related condition.

gnomAD v4.1: 30 of 1,612,928 alleles (0.0019%); highest among the groups gnomAD compares: Middle Eastern, 0.049%; no homozygotes.

Submissions (2):

PreventionGenetics, part of Exact Sciences
Classification: Uncertain significance for SLC4A11-related condition. Last evaluated: 2025-09-18. Review status: criteria provided, single submitter. Criteria: ACMG Guidelines, 2015. Collection method: clinical testing. Allele origin: germline.
Comment: The SLC4A11 c.2624G>A variant is predicted to result in the amino acid substitution p.Arg875Gln. To our knowledge, this variant has not been reported in the literature. This variant is reported in 0.0016% of alleles in individuals of European (Non-Finnish) descent in gnomAD. At this time, the clinical significance of this variant is uncertain due to the absence of conclusive functional and genetic evidence.

Clinical Genetics Laboratory, Skane University Hospital Lund
Classification: Uncertain significance. Last evaluated: 2022-12-28. Review status: criteria provided, single submitter. Criteria: ACMG Guidelines, 2015. Collection method: clinical testing. Allele origin: germline. Affected: yes.